The following is an entry in ClinVar:

NM_003590.5(CUL3):c.908T>G (p.Phe303Cys)

Gene: CUL3 (cullin 3; minus strand). Cytogenetic location: 2q36.2.
Variant type: single nucleotide variant.
Coding change: c.908T>G on transcript NM_003590.5 (MANE Select); coding-DNA position 908, T replaced by G.
Protein change: p.Phe303Cys; replaces phenylalanine 303 with cysteine.
Molecular consequence: missense variant.
Genome position (GRCh38, 1-based): chr2:224,506,979, A>C on the plus strand (T>G on the coding strand, the complement: CUL3 is on the minus strand). VCF-style: chr2-224506979-A-C. GRCh37 (hg19) VCF-style: chr2-225371696-A-C.
Other names: c.710T>G, p.Phe237Cys (NM_001257197.2); c.926T>G, p.Phe309Cys (NM_001257198.2); c.908T>G (NM_003590.3); short protein forms F237C, F303C, F309C.
Identifiers: ClinVar variation 2430414 (VCV002430414.4), dbSNP rs996315289, ClinGen allele CA66534683.

ClinVar aggregate classification (germline): Uncertain significance. Review status: criteria provided, multiple submitters, no conflicts (2 of 4 stars). 3 submissions from 3 submitters: Uncertain significance (3). Last evaluated 2025-05-06.

Conditions:
Inborn genetic diseases. Identifiers: MedGen C0950123, MeSH D030342.

Allele frequency attached by ClinVar (database versions not stated): gnomAD 0.00001; TOPMed 0.00001; gnomAD exomes 0.00002.
gnomAD v4.1: 23 of 1,612,790 alleles (0.0014%); highest among the groups gnomAD compares: Non-Finnish European, 0.0019%; no homozygotes.

Submissions (3):

Ambry Genetics
Classification: Uncertain significance for Inborn genetic diseases. Last evaluated: 2025-05-06. Review status: criteria provided, single submitter. Criteria: Ambry Variant Classification Scheme 2023. Collection method: clinical testing. Allele origin: germline.

Labcorp Genetics (formerly Invitae), Labcorp
Classification: Uncertain significance. Last evaluated: 2024-07-31. Review status: criteria provided, single submitter. Criteria: Invitae Variant Classification Sherloc (09022015). Collection method: clinical testing. Allele origin: germline.
Comment: This sequence change replaces phenylalanine, which is neutral and non-polar, with cysteine, which is neutral and slightly polar, at codon 303 of the CUL3 protein (p.Phe303Cys). The frequency data for this variant in the population databases is considered unreliable, as metrics indicate poor data quality at this position in the gnomAD database. This variant has not been reported in the literature in individuals affected with CUL3-related conditions. ClinVar contains an entry for this variant (Variation ID: 2430414). Advanced modeling of protein sequence and biophysical properties (such as structural, functional, and spatial information, amino acid conservation, physicochemical variation, residue mobility, and thermodynamic stability) performed at Invitae indicates that this missense variant is not expected to disrupt CUL3 protein function with a negative predictive value of 80%. In summary, the available evidence is currently insufficient to determine the role of this variant in disease. Therefore, it has been classified as a Variant of Uncertain Significance.

GeneDx
Classification: Uncertain significance. Last evaluated: 2022-08-15. Review status: criteria provided, single submitter. Criteria: GeneDx Variant Classification Process June 2021. Collection method: clinical testing. Allele origin: germline. Affected: yes.
Comment: In silico analysis supports that this missense variant has a deleterious effect on protein structure/function; Has not been previously published as pathogenic or benign to our knowledge